The following is an entry in ClinVar:

NM_001378414.1(HDAC4):c.2234-5C>G

Gene: HDAC4 (histone deacetylase 4; minus strand). Cytogenetic location: 2q37.3.
Variant type: single nucleotide variant.
Coding change: c.2234-5C>G on transcript NM_001378414.1 (MANE Select); 5 bases into the intron before coding-DNA position 2234, C replaced by G.
Molecular consequence: intron variant.
Genome position (GRCh38, 1-based): chr2:239,095,061, G>C on the plus strand (C>G on the coding strand, the complement: HDAC4 is on the minus strand). VCF-style: chr2-239095061-G-C. GRCh37 (hg19) VCF-style: chr2-240016757-G-C.
Other names: c.2219-5C>G (NM_001378417.1, NM_001378416.1, NM_006037.4); c.2234-5C>G (NM_001378415.1).
Identifiers: ClinVar variation 746908 (VCV000746908.5), dbSNP rs199709933, ClinGen allele CA2199513.

ClinVar aggregate classification (germline): Likely benign. Review status: criteria provided, single submitter (1 of 4 stars). 2 submissions from 2 submitters: Likely benign (1). 1 of the submissions does not count toward it. Last evaluated 2018-04-02.

Conditions:
HDAC4-related disorder. Also called: HDAC4-related condition.

Allele frequency attached by ClinVar (database versions not stated): TOPMed 0.00004.
gnomAD v4.1: 97 of 1,612,994 alleles (0.006%); highest among the groups gnomAD compares: Middle Eastern, 0.016%; no homozygotes.

Submissions (2):

Labcorp Genetics (formerly Invitae), Labcorp
Classification: Likely benign. Last evaluated: 2018-04-02. Review status: criteria provided, single submitter. Criteria: Invitae Variant Classification Sherloc (09022015). Collection method: clinical testing. Allele origin: germline.

PreventionGenetics, part of Exact Sciences
Classification: Likely benign for HDAC4-related condition. Last evaluated: 2019-07-15. Review status: no assertion criteria provided. Collection method: clinical testing. Allele origin: germline. Not counted in ClinVar's aggregate classification.
Comment: This variant is classified as likely benign based on ACMG/AMP sequence variant interpretation guidelines (Richards et al. 2015 PMID: 25741868, with internal and published modifications).